The following is an entry in ClinVar:

NM_020794.2:c.2405delC

Gene: LRRC7 (leucine rich repeat containing 7; plus strand).
Variant type: Deletion.
Identifiers: ClinVar variation 4830343 (VCV004830343.1).

ClinVar aggregate classification (germline): Pathogenic (1 of 4 stars; one submission).

Submission:

Ambry Genetics
Classification: Pathogenic. Last evaluated: 2026-03-04. Review status: criteria provided, single submitter. Criteria: Ambry Variant Classification Scheme 2023. Collection method: clinical testing. Allele origin: germline.
Comment: The c.2405delC (p.T802Nfs*9) alteration, located in coding exon 19 of the LRRC7 gene, consists of a deletion of one nucleotide at position 2405, causing a translational frameshift with a predicted alternate stop codon after 9 amino acids. This alteration is expected to result in loss of function by premature protein truncation or nonsense-mediated mRNA decay. This variant was not reported in population-based cohorts in the Genome Aggregation Database (gnomAD). Based on the available evidence, this alteration is classified as pathogenic.